The following is an entry in ClinVar:

ClinVar aggregate classification (germline): Benign. Review status: criteria provided, multiple submitters, no conflicts (2 of 4 stars). 11 submissions from 11 submitters: Benign (7). 4 of the submissions do not count toward it. Last evaluated 2026-02-04.

Conditions:
Cardiovascular phenotype. Identifiers: MedGen CN230736.
Alstrom syndrome (ALMS). Identifiers: Orphanet 64, MedGen C0268425, MONDO:0008763, OMIM 203800.

Allele frequency attached by ClinVar (database versions not stated): gnomAD exomes 0.24062 and 0.25925; ExAC 0.26088; 1000 Genomes Project 0.33826; 1000 Genomes Project 30x 0.35447; gnomAD 0.36711 and 0.38173; ESP Exome Variant Server 0.37194; TOPMed 0.39161.
gnomAD v4.1: 407,059 of 1,612,754 alleles (25%); highest among the groups gnomAD compares: African/African-American, 70%; 61,871 homozygotes.

Submissions (11):

Labcorp Genetics (formerly Invitae), Labcorp
Classification: Benign for Alstrom syndrome. Last evaluated: 2026-02-04. Review status: criteria provided, single submitter. Criteria: Invitae Variant Classification Sherloc (09022015). Collection method: clinical testing. Allele origin: germline.

Blueprint Genetics
Classification: Benign. Last evaluated: 2024-11-26. Review status: criteria provided, single submitter. Criteria: ACMG Guidelines, 2015. Collection method: clinical testing. Allele origin: germline.

Genome-Nilou Lab
Classification: Benign for Alstrom syndrome. Last evaluated: 2021-07-14. Review status: criteria provided, single submitter. Criteria: ACMG Guidelines, 2015. Collection method: clinical testing. Allele origin: germline. Affected: no.

Ambry Genetics
Classification: Benign for Cardiovascular phenotype. Last evaluated: 2018-12-21. Review status: criteria provided, single submitter. Criteria: Ambry Variant Classification Scheme 2023. Collection method: clinical testing. Allele origin: germline.

GeneDx
Classification: Benign. Last evaluated: 2016-09-09. Review status: criteria provided, single submitter. Criteria: GeneDx Variant Classification (06012015). Collection method: clinical testing. Allele origin: germline. Affected: yes.
Comment: This variant is considered likely benign or benign based on one or more of the following criteria: it is a conservative change, it occurs at a poorly conserved position in the protein, it is predicted to be benign by multiple in silico algorithms, and/or has population frequency not consistent with disease.

Laboratory for Molecular Medicine, Mass General Brigham Personalized Medicine
Classification: Benign. Last evaluated: 2016-03-21. Review status: criteria provided, single submitter. Criteria: LMM Criteria. Collection method: clinical testing. Allele origin: germline. Observed: 138 variant alleles.
Comment: p.Gln1392Gln in exon 8 of ALMS1: This variant is not expected to have clinical s ignificance because it does not alter an amino acid residue, is not located with in the splice consensus sequence, and has been identified in 78.59% (1039/1322) of African chromosomes by the 1000 Genomes Project (Phase 3; dbSNP rs6546836).

Breakthrough Genomics
Classification: Benign. Review status: criteria provided, single submitter. Criteria: ACMG Guidelines, 2015. Collection method: not provided. Allele origin: germline. Inheritance: Autosomal recessive inheritance. Affected: yes.

Natera, Inc.
Classification: Benign for Alstrom syndrome. Last evaluated: 2020-09-16. Review status: no assertion criteria provided. Collection method: clinical testing. Allele origin: germline. Not counted in ClinVar's aggregate classification.

Clinical Genetics, Academic Medical Center
Classification: Benign. Review status: no assertion criteria provided. Collection method: clinical testing. Allele origin: germline. Affected: yes. Study: VKGL Data-share Consensus. Not counted in ClinVar's aggregate classification.

Diagnostic Laboratory, Department of Genetics, University Medical Center Groningen
Classification: Benign. Review status: no assertion criteria provided. Collection method: clinical testing. Allele origin: germline. Affected: yes. Study: VKGL Data-share Consensus. Not counted in ClinVar's aggregate classification.

Joint Genome Diagnostic Labs from Nijmegen and Maastricht, Radboudumc and MUMC+
Classification: Benign. Review status: no assertion criteria provided. Collection method: clinical testing. Allele origin: germline. Affected: yes. Study: VKGL Data-share Consensus. Not counted in ClinVar's aggregate classification.

NM_001378454.1(ALMS1):c.4179A>G (p.Gln1393=)

Gene: ALMS1 (ALMS1 centrosome and basal body associated protein; plus strand). Cytogenetic location: 2p13.1.
Variant type: single nucleotide variant.
Coding change: c.4179A>G on transcript NM_001378454.1 (MANE Select); coding-DNA position 4179, A replaced by G.
Protein change: p.Gln1393=; no amino-acid change (glutamine 1393 retained).
Molecular consequence: synonymous variant.
Genome position (GRCh38, 1-based): chr2:73,450,706, A>G. VCF-style: chr2-73450706-A-G. GRCh37 (hg19) VCF-style: chr2-73677833-A-G.
Other names: c.4182A>G, p.Gln1394= (NM_015120.4).
Identifiers: ClinVar variation 383757 (VCV000383757.30), dbSNP rs6546836, ClinGen allele CA1713653.